The following is an entry in ClinVar:

ClinVar aggregate classification (germline): Likely pathogenic (1 of 4 stars; one submission).

Conditions:
Benign concentric annular macular dystrophy. Identifiers: Orphanet 251287, MedGen C5561925, MONDO:0007934, OMIM 153870.
Vitelliform macular dystrophy 4. Identifiers: Orphanet 99000, MedGen C4015342, MONDO:0014508, OMIM 616151.

gnomAD v4.1: 1 of 1,613,214 alleles (0.000062%); highest among the groups gnomAD compares: Non-Finnish European, 0.000085%; no homozygotes.

Submission:

Juno Genomics, Hangzhou Juno Genomics, Inc
Classification: Likely pathogenic for Vitelliform macular dystrophy 4; Benign concentric annular macular dystrophy. Review status: criteria provided, single submitter. Criteria: ACMG Guidelines, 2015. Collection method: clinical testing. Allele origin: germline.
Comment: Absent from controls (or at extremely low frequency if recessive) in Genome Aggregation Database.;Null variant in a gene where loss of function (LOF) is a known mechanism of disease.

NM_001563.4(IMPG1):c.302-1G>A

Gene: IMPG1 (interphotoreceptor matrix proteoglycan 1; minus strand). Cytogenetic location: 6q14.1.
Variant type: single nucleotide variant.
Coding change: c.302-1G>A on transcript NM_001563.4 (MANE Select); the canonical splice acceptor site of the intron before coding-DNA position 302, G replaced by A.
Molecular consequence: splice acceptor variant.
Genome position (GRCh38, 1-based): chr6:76,034,788, C>T on the plus strand (G>A on the coding strand, the complement: IMPG1 is on the minus strand). VCF-style: chr6-76034788-C-T. GRCh37 (hg19) VCF-style: chr6-76744505-C-T.
Other names: c.68-1G>A (NM_001282368.2).
Identifiers: ClinVar variation 5019768 (VCV005019768.2).